The following is an entry in ClinVar:

NM_000179.3(MSH6):c.904dup (p.Arg302fs)

Gene: MSH6 (mutS homolog 6; plus strand). Cytogenetic location: 2p16.3.
Variant type: Duplication.
Coding change: c.904dup on transcript NM_000179.3 (MANE Select); coding-DNA position 904, one base duplicated (A; older notation c.904dupA).
Protein change: p.Arg302fs; shifts the reading frame from arginine 302.
Molecular consequence: frameshift variant. On other transcripts: 5 prime UTR variant (2).
Genome position (GRCh38, 1-based): chr2:47,798,887, A duplicated. VCF-style (leftmost placement, unchanged base first): chr2-47798886-G-GA. GRCh37 (hg19) VCF-style: chr2-48026025-G-GA.
Other names: c.904dupA (NM_000179.2); c.514dup, p.Arg172fs (NM_001281492.2); c.-3dup (NM_001281493.2, NM_001281494.2, NM_001406811.1 and 6 more transcripts); c.1000dup, p.Arg334Lysfs (NM_001406795.1, NM_001406802.1); c.904dup, p.Arg302Lysfs (NM_001406796.1, NM_001406798.1, NM_001406800.1 and 4 more transcripts); c.607dup, p.Arg203Lysfs (NM_001406797.1, NM_001406801.1, NM_001406805.1 and 10 more transcripts); c.379dup, p.Arg127Lysfs (NM_001406799.1, NM_001406806.1, NM_001406807.1); c.826dup, p.Arg276Lysfs (NM_001406804.1); and 2 more; short protein forms R172fs, R302fs.
Identifiers: ClinVar variation 1765599 (VCV001765599.2), dbSNP rs2530577229, ClinGen allele CA2580067263.
Genomic context (GRCh38, chr2:47,798,886, plus strand): 5'-AGTGGGGGATAGTGAGAGTGAAGGCCTGAACAGCCCTGTCAAAGTTGCTCGAAAGCGGAA[G>GA]AGAATGGTGACTGGAAATGGCTCTCTTAAAAGGAAAAGCTCTAGGAAGGAAACGCCCTCA-3'

ClinVar aggregate classification (germline): Pathogenic (1 of 4 stars; one submission).

Conditions:
Hereditary cancer-predisposing syndrome. Also called: Neoplastic Syndromes, Hereditary; Tumor predisposition; Hereditary Cancer Syndrome; Hereditary neoplastic syndrome. Identifiers: Orphanet 140162, MedGen C0027672, MeSH D009386, MONDO:0015356.

Submission:

Ambry Genetics
Classification: Pathogenic for Hereditary cancer-predisposing syndrome. Last evaluated: 2020-08-06. Review status: criteria provided, single submitter. Criteria: Ambry Variant Classification Scheme 2023. Collection method: clinical testing. Allele origin: germline.
Comment: The c.904dupA pathogenic mutation, located in coding exon 4 of the MSH6 gene, results from a duplication of A at nucleotide position 904, causing a translational frameshift with a predicted alternate stop codon (p.R302Kfs*10). This alteration is expected to result in loss of function by premature protein truncation or nonsense-mediated mRNA decay. As such, this alteration is interpreted as a disease-causing mutation.

Literature cited by the submitters: PubMed 20487569.